The following is an entry in ClinVar:

NM_000492.4(CFTR):c.3229_3230del (p.Leu1077fs)

Genes: CFTR (CF transmembrane conductance regulator; plus strand), CFTR-AS2 (CFTR antisense RNA 2; minus strand), LOC111674472 (DNase I hypersensitive sites in introns 16 and 17a of CFTR; plus strand). Cytogenetic location: 7q31.2.
Variant type: Microsatellite.
Coding change: c.3229_3230del on transcript NM_000492.4 (MANE Select); coding-DNA positions 3229 to 3230, 2 bases deleted (CT; older notation c.3229_3230delCT).
Protein change: p.Leu1077fs; shifts the reading frame from leucine 1077.
Molecular consequence: frameshift variant.
Genome position (GRCh38, 1-based): chr7:117,611,670-117,611,671, CT deleted; deleting any 2 consecutive bases within chr7:117,611,668-117,611,671 gives the same sequence; the c. name uses the placement nearest the transcript's 3' end. VCF-style (leftmost placement, unchanged base first): chr7-117611667-ACT-A. GRCh37 (hg19) VCF-style: chr7-117251721-ACT-A.
Other names: 3359delCT; c.3229_3230delCT (NM_000492.3); short protein forms L1077fs.
Identifiers: ClinVar variation 53689 (VCV000053689.11), dbSNP rs397508518, ClinGen allele CA327105.

ClinVar aggregate classification (germline): Pathogenic/Likely pathogenic. Review status: criteria provided, multiple submitters, no conflicts (2 of 4 stars). 6 submissions from 6 submitters: Pathogenic (4); Likely pathogenic (1). 1 of the submissions does not count toward it. Last evaluated 2025-06-05.

Conditions:
CFTR-related disorder (CFTR-RD). Also called: CFTR-related condition; CFTR-related disorders. Identifiers: MedGen C5924204, MONDO:7770004.
Cystic fibrosis (CF). Also called: MUCOVISCIDOSIS. Identifiers: Orphanet 586, MedGen C0010674, MONDO:0009061, OMIM 219700. Disease mechanism: loss of function.

Submissions (6):

Natera, Inc.
Classification: Likely pathogenic for CFTR-related disorders. Last evaluated: 2025-06-05. Review status: criteria provided, single submitter. Criteria: Natera Variant Classification Schema (03/2026). Collection method: clinical testing. Allele origin: germline.
Comment: The c.3229_3230delCT variant in CFTR is a frameshift variant predicted to shift the reading frame beginning at codon 1077 and leads to a stop codon 78 codons downstream. This variant is expected to result in nonsense mediated decay, truncation, or a dysfunctional protein product. This variant is rare in the general population with a frequency below the threshold expected for the associated phenotype(s). Given the available evidence, this variant is classified as Likely Pathogenic.

ARUP Laboratories, Molecular Genetics and Genomics, ARUP Laboratories
Classification: Pathogenic. Last evaluated: 2022-09-15. Review status: criteria provided, single submitter. Criteria: ARUP Molecular Germline Variant Investigation Process 2021. Collection method: clinical testing. Allele origin: germline.
Comment: The CFTR c.3229_3230delCT; p.Leu1077ValfsTer78 variant (rs397508518), also known as 3359delCT, is reported in an individual with pancreatic insufficient CF (Mercier 1993). This variant is reported in ClinVar (Variation ID: 53689). It is absent from the Genome Aggregation Database, indicating it is not a common polymorphism. This variant causes a frameshift by deleting two nucleotides, so it is predicted to result in a truncated protein or mRNA subject to nonsense-mediated decay. Based on available information, this variant is considered to be pathogenic. References: Mercier B et al. Identification of eight novel mutations in a collaborative analysis of a part of the second transmembrane domain of the CFTR gene. Genomics. 1993 Apr;16(1):296-7. PMID: 7683628.

Institute of Human Genetics, University of Leipzig Medical Center
Classification: Pathogenic for Cystic fibrosis. Last evaluated: 2022-09-05. Review status: criteria provided, single submitter. Criteria: ACMG Guidelines, 2015. Collection method: curation. Allele origin: unknown. Affected: yes. Observed: 3 variant alleles.
Comment: This variant was identified in 3 unrelated patients with a clinically confirmed diagnosis of cystic fibrosis. The variant was classified in the context of a project re-classifying variants in the German Cystic Fibrosis Registry (Muko.e.V.). Criteria applied: PVS1, PM2_SUP, PM3, PP4

Labcorp Genetics (formerly Invitae), Labcorp
Classification: Pathogenic for Cystic fibrosis. Last evaluated: 2022-07-03. Review status: criteria provided, single submitter. Criteria: Invitae Variant Classification Sherloc (09022015). Collection method: clinical testing. Allele origin: germline.
Comment: This sequence change creates a premature translational stop signal (p.Leu1077Valfs*78) in the CFTR gene. It is expected to result in an absent or disrupted protein product. Loss-of-function variants in CFTR are known to be pathogenic (PMID: 1695717, 7691345, 9725922). For these reasons, this variant has been classified as Pathogenic. ClinVar contains an entry for this variant (Variation ID: 53689). This variant is also known as 3359delCT. This premature translational stop signal has been observed in individual(s) with CFTR-related conditions (PMID: 7683628). This variant is not present in population databases (gnomAD no frequency).

CFTR-France
Classification: Pathogenic for cystic fibrosis. Last evaluated: 2018-03-26. Review status: criteria provided, single submitter. Criteria: Claustres M et al. (Hum Mutat 2017). Collection method: curation. Allele origin: germline. Affected: yes.

ClinVar Staff, National Center for Biotechnology Information (NCBI)
No classification provided. Condition: CFTR-related disorders. Review status: no classification provided. Collection method: literature only. Allele origin: germline. Affected: yes. Not counted in ClinVar's aggregate classification.

Literature cited by the submitters: PubMed 1695717 (cited by Labcorp Genetics (formerly Invitae), Labcorp); PubMed 7691345 (cited by Labcorp Genetics (formerly Invitae), Labcorp); PubMed 9725922 (cited by Labcorp Genetics (formerly Invitae), Labcorp); PubMed 7683628 (cited by Labcorp Genetics (formerly Invitae), Labcorp and ClinVar Staff, National Center for Biotechnology Information (NCBI)).